The following is an entry in ClinVar:

NM_032043.3(BRIP1):c.112dup (p.Ser38fs)

Gene: BRIP1 (BRCA1 interacting DNA helicase 1; minus strand). Cytogenetic location: 17q23.2.
Variant type: Duplication.
Coding change: c.112dup on transcript NM_032043.3 (MANE Select); coding-DNA position 112, one base duplicated (A; older notation c.112dupA).
Protein change: p.Ser38fs; shifts the reading frame from serine 38.
Molecular consequence: frameshift variant.
Genome position (GRCh38, 1-based): chr17:61,859,889, T duplicated on the plus strand (A on the coding strand, the reverse complement: BRIP1 is on the minus strand). VCF-style (leftmost placement, unchanged base first): chr17-61859888-C-CT. GRCh37 (hg19) VCF-style: chr17-59937249-C-CT.
Other names: c.112dupA (NM_032043.2); short protein forms S38fs.
Identifiers: ClinVar variation 960341 (VCV000960341.11), dbSNP rs2078951497, ClinGen allele CA1139665809.
Genomic context (GRCh38, chr17:61,859,888, plus strand): 5'-CAAAGTAAGGCTAAGCTTTTTCCACTTCCTGTGGGACTCTCCAACAAACAATGTTGCTTG[C>CT]TGTTTAATCCTCTGAGAATCTATGAACACAGAAACCAATGAAAATAATAAACATATTAAC-3'

ClinVar aggregate classification (germline): Pathogenic. Review status: criteria provided, multiple submitters, no conflicts (2 of 4 stars). 3 submissions from 3 submitters: Pathogenic (3). Last evaluated 2025-10-10.

Conditions:
Familial cancer of breast. Also called: Hereditary breast cancer; BREAST CANCER, FAMILIAL; hereditary breast carcinoma. Identifiers: Orphanet 227535, MedGen C0346153, MONDO:0016419, OMIM 114480. Disease mechanism: loss of function.
Fanconi anemia complementation group J. Also called: BRIP1-Related Fanconi Anemia. Identifiers: Orphanet 84, MedGen C1836860, MONDO:0012187, OMIM 609054.
Hereditary cancer-predisposing syndrome. Also called: Hereditary neoplastic syndrome; Tumor predisposition; Neoplastic Syndromes, Hereditary; Hereditary Cancer Syndrome. Identifiers: Orphanet 140162, MedGen C0027672, MeSH D009386, MONDO:0015356.

Submissions (3):

Ambry Genetics
Classification: Pathogenic for Hereditary cancer-predisposing syndrome. Last evaluated: 2025-10-10. Review status: criteria provided, single submitter. Criteria: Ambry Variant Classification Scheme 2023. Collection method: clinical testing. Allele origin: germline.
Comment: The c.112dupA pathogenic mutation, located in coding exon 2 of the BRIP1 gene, results from a duplication of A at nucleotide position 112, causing a translational frameshift with a predicted alternate stop codon (p.S38Kfs*31). This variant is considered to be rare based on population cohorts in the Genome Aggregation Database (gnomAD). This alteration is expected to result in loss of function by premature protein truncation or nonsense-mediated mRNA decay. As such, this alteration is interpreted as a disease-causing mutation.

Myriad Genetics, Inc.
Classification: Pathogenic for Familial cancer of breast. Last evaluated: 2023-04-25. Review status: criteria provided, single submitter. Criteria: Myriad Autosomal Dominant, Autosomal Recessive and X-Linked Classification Criteria (2023). Collection method: clinical testing. Allele origin: unknown.
Comment: This variant is considered pathogenic. This variant creates a frameshift predicted to result in premature protein truncation.

Labcorp Genetics (formerly Invitae), Labcorp
Classification: Pathogenic for Familial cancer of breast; Fanconi anemia complementation group J. Last evaluated: 2020-11-10. Review status: criteria provided, single submitter. Criteria: Invitae Variant Classification Sherloc (09022015). Collection method: clinical testing. Allele origin: germline.
Comment: This sequence change creates a premature translational stop signal (p.Ser38Lysfs*31) in the BRIP1 gene. It is expected to result in an absent or disrupted protein product. This variant is not present in population databases (ExAC no frequency). This variant has not been reported in the literature in individuals with BRIP1-related conditions. Loss-of-function variants in BRIP1 are known to be pathogenic (PMID: 16116423, 17033622, 21964575). For these reasons, this variant has been classified as Pathogenic.

Literature cited by the submitters: PubMed 16116423 (cited by Labcorp Genetics (formerly Invitae), Labcorp); PubMed 17033622 (cited by Labcorp Genetics (formerly Invitae), Labcorp); PubMed 21964575 (cited by Labcorp Genetics (formerly Invitae), Labcorp).